The following is an entry in ClinVar:

NM_014053.4(FLVCR1):c.937G>A (p.Asp313Asn)

Gene: FLVCR1 (FLVCR choline and heme transporter 1; plus strand). Cytogenetic location: 1q32.3.
Variant type: single nucleotide variant.
Coding change: c.937G>A on transcript NM_014053.4 (MANE Select); coding-DNA position 937, G replaced by A.
Protein change: p.Asp313Asn; replaces aspartic acid 313 with asparagine.
Molecular consequence: missense variant.
Genome position (GRCh38, 1-based): chr1:212,872,731, G>A. VCF-style: chr1-212872731-G-A. GRCh37 (hg19) VCF-style: chr1-213046073-G-A.
Other names: short protein forms D313N.
Identifiers: ClinVar variation 447352 (VCV000447352.59), dbSNP rs139175550, ClinGen allele CA1386003.

ClinVar aggregate classification (germline): Benign/Likely benign. Review status: criteria provided, multiple submitters, no conflicts (2 of 4 stars). 6 submissions from 6 submitters: Benign (5); Likely benign (1). Last evaluated 2026-04-01.

Conditions:
Posterior column ataxia-retinitis pigmentosa syndrome (RETSNS). Also called: RETINOPATHY-SENSORY NEUROPATHY SYNDROME. Identifiers: Orphanet 88628, MedGen C1836916, MONDO:0012177, OMIM 609033.

Allele frequency attached by ClinVar (database versions not stated): 1000 Genomes Project 30x 0.00016; 1000 Genomes Project 0.00020; ESP Exome Variant Server 0.00062; TOPMed 0.00064; ExAC 0.00223; gnomAD 0.00238 and 0.00251.

Submissions (6):

CeGaT Center for Human Genetics Tuebingen
Classification: Benign. Last evaluated: 2026-04-01. Review status: criteria provided, single submitter. Criteria: CeGaT Center For Human Genetics Tuebingen Variant Classification Criteria Version 2. Collection method: clinical testing. Allele origin: germline. Affected: yes. Observed: 8 variant alleles.
Comment: FLVCR1: BP4, BS1, BS2

Labcorp Genetics (formerly Invitae), Labcorp
Classification: Benign. Last evaluated: 2025-11-04. Review status: criteria provided, single submitter. Criteria: Invitae Variant Classification Sherloc (09022015). Collection method: clinical testing. Allele origin: germline.

Blueprint Genetics
Classification: Likely benign. Last evaluated: 2024-11-23. Review status: criteria provided, single submitter. Criteria: ACMG Guidelines, 2015. Collection method: clinical testing. Allele origin: germline.

Mayo Clinic Laboratories, Mayo Clinic
Classification: Benign. Last evaluated: 2020-04-16. Review status: criteria provided, single submitter. Criteria: ACMG Guidelines, 2015. Collection method: clinical testing. Allele origin: germline. Observed: 3 variant alleles.

Athena Diagnostics
Classification: Benign. Last evaluated: 2018-08-09. Review status: criteria provided, single submitter. Criteria: Athena Diagnostics Criteria. Collection method: clinical testing. Allele origin: germline.

Illumina Laboratory Services, Illumina
Classification: Benign for Posterior column ataxia-retinitis pigmentosa syndrome. Last evaluated: 2017-07-20. Review status: criteria provided, single submitter. Criteria: ICSL Variant Classification Criteria 13 December 2019. Collection method: clinical testing. Allele origin: germline.
Comment: This variant was observed as part of a predisposition screen in an ostensibly healthy population. A literature search was performed for the gene, cDNA change, and amino acid change (where applicable). No publications were found based on this search. Allele frequency data from public databases was too high to be consistent with this variant causing disease. Therefore, this variant is classified as benign.